The following is an entry in ClinVar:

NM_001365951.3(KIF1B):c.4772A>G (p.His1591Arg)

Gene: KIF1B (kinesin family member 1B; plus strand). Cytogenetic location: 1p36.22.
Variant type: single nucleotide variant.
Coding change: c.4772A>G on transcript NM_001365951.3 (MANE Select); coding-DNA position 4772, A replaced by G.
Protein change: p.His1591Arg; replaces histidine 1591 with arginine.
Molecular consequence: missense variant.
Genome position (GRCh38, 1-based): chr1:10,368,486, A>G. VCF-style: chr1-10368486-A-G. GRCh37 (hg19) VCF-style: chr1-10428544-A-G.
Other names: c.4772A>G, p.His1591Arg (NM_001365952.1); c.4634A>G, p.His1545Arg (NM_015074.3); short protein forms H1545R, H1591R.
Identifiers: ClinVar variation 4858835 (VCV004858835.1).

ClinVar aggregate classification (germline): Uncertain significance (1 of 4 stars; one submission).

gnomAD v4.1: 1 of 1,613,854 alleles (0.000062%); highest among the groups gnomAD compares: Non-Finnish European, 0.000085%; no homozygotes.

Submission:

Ambry Genetics
Classification: Uncertain significance. Last evaluated: 2026-04-13. Review status: criteria provided, single submitter. Criteria: Ambry Variant Classification Scheme 2023. Collection method: clinical testing. Allele origin: germline.
Comment: The p.H1545R variant (also known as c.4634A>G), located in coding exon 41 of the KIF1B gene, results from an A to G substitution at nucleotide position 4634. The histidine at codon 1545 is replaced by arginine, an amino acid with highly similar properties. This amino acid position is conserved. In addition, the in silico prediction for this alteration is inconclusive. Based on the available evidence, the clinical significance of this variant remains unclear.